The following is an entry in ClinVar:

ClinVar aggregate classification (germline): Likely benign. Review status: criteria provided, multiple submitters, no conflicts (2 of 4 stars). 3 submissions from 3 submitters: Likely benign (2). 1 of the submissions does not count toward it. Last evaluated 2025-12-08.

Conditions:
Joubert syndrome. Also called: Familial aplasia of the vermis; JOUBERT-BOLTSHAUSER SYNDROME. Identifiers: Orphanet 475, MedGen C5979921, MONDO:0018772.
AHI1-related disorder. Also called: AHI1-related condition.

Allele frequency attached by ClinVar (database versions not stated): ExAC 0.00002; TOPMed 0.00002; gnomAD 0.00003; gnomAD exomes 0.00003; ESP Exome Variant Server 0.00008.
gnomAD v4.1: 55 of 1,613,890 alleles (0.0034%); highest among the groups gnomAD compares: Non-Finnish European, 0.0043%; no homozygotes.

Submissions (3):

Labcorp Genetics (formerly Invitae), Labcorp
Classification: Likely benign for Joubert syndrome. Last evaluated: 2025-12-08. Review status: criteria provided, single submitter. Criteria: Invitae Variant Classification Sherloc (09022015). Collection method: clinical testing. Allele origin: germline.

Blueprint Genetics
Classification: Likely benign. Last evaluated: 2022-09-16. Review status: criteria provided, single submitter. Criteria: ACMG Guidelines, 2015. Collection method: clinical testing. Allele origin: germline.

PreventionGenetics, part of Exact Sciences
Classification: Likely benign for AHI1-related condition. Last evaluated: 2019-10-30. Review status: no assertion criteria provided. Collection method: clinical testing. Allele origin: germline. Not counted in ClinVar's aggregate classification.
Comment: This variant is classified as likely benign based on ACMG/AMP sequence variant interpretation guidelines (Richards et al. 2015 PMID: 25741868, with internal and published modifications).

NM_001134831.2(AHI1):c.312A>G (p.Thr104=)

Gene: AHI1 (Abelson helper integration site 1; minus strand). Cytogenetic location: 6q23.3.
Variant type: single nucleotide variant.
Coding change: c.312A>G on transcript NM_001134831.2 (MANE Select); coding-DNA position 312, A replaced by G.
Protein change: p.Thr104=; no amino-acid change (threonine 104 retained).
Molecular consequence: synonymous variant.
Genome position (GRCh38, 1-based): chr6:135,466,251, T>C on the plus strand (A>G on the coding strand, the complement: AHI1 is on the minus strand). VCF-style: chr6-135466251-T-C. GRCh37 (hg19) VCF-style: chr6-135787389-T-C.
Other names: c.312A>G, p.Thr104= (NM_001134830.2, NM_001134832.2, NM_001350503.2 and 2 more transcripts); c.312A>G (NM_017651.4).
Identifiers: ClinVar variation 2074986 (VCV002074986.7), dbSNP rs369651027, ClinGen allele CA4012853.